The following is an entry in ClinVar:

ClinVar aggregate classification (germline): Pathogenic (1 of 4 stars; one submission).

Conditions:
Hereditary cancer-predisposing syndrome. Also called: Neoplastic Syndromes, Hereditary; Tumor predisposition; Hereditary Cancer Syndrome; Hereditary neoplastic syndrome. Identifiers: Orphanet 140162, MedGen C0027672, MeSH D009386, MONDO:0015356.

Submission:

Ambry Genetics
Classification: Pathogenic for Hereditary cancer-predisposing syndrome. Last evaluated: 2022-05-04. Review status: criteria provided, single submitter. Criteria: Ambry Variant Classification Scheme 2023. Collection method: clinical testing. Allele origin: germline.
Comment: The c.8157delT pathogenic mutation, located in coding exon 17 of the BRCA2 gene, results from a deletion of one nucleotide at nucleotide position 8157, causing a translational frameshift with a predicted alternate stop codon (p.I2719Mfs*14). This variant is considered to be rare based on population cohorts in the Genome Aggregation Database (gnomAD). This alteration is expected to result in loss of function by premature protein truncation or nonsense-mediated mRNA decay. As such, this alteration is interpreted as a disease-causing mutation.

NM_000059.4(BRCA2):c.8157del (p.Ile2719fs)

Gene: BRCA2 (BRCA2 DNA repair associated; plus strand). Cytogenetic location: 13q13.1.
Variant type: Deletion.
Coding change: c.8157del on transcript NM_000059.4 (MANE Select); coding-DNA position 8157, one base deleted (T; older notation c.8157delT).
Protein change: p.Ile2719fs; shifts the reading frame from isoleucine 2719.
Molecular consequence: frameshift variant.
Genome position (GRCh38, 1-based): chr13:32,363,359, T deleted; the last of 2 consecutive T bases (chr13:32,363,358-32,363,359); deleting either gives the same sequence. VCF-style (leftmost placement, unchanged base first): chr13-32363357-AT-A. GRCh37 (hg19) VCF-style: chr13-32937494-AT-A.
Other names: c.8061delT, p.Ile2687Metfs (NM_001406719.1); c.8157delT, p.Ile2719Metfs (NM_001406720.1); c.3225delT, p.Ile1075Metfs (NM_001406721.1); c.1740delT, p.Ile580Metfs (NM_001406722.1); short protein forms I2719fs.
Identifiers: ClinVar variation 1762205 (VCV001762205.2), dbSNP rs2548546556, ClinGen allele CA2580087486.
Genomic context (GRCh38, chr13:32,363,357, plus strand): 5'-AATATATCTGAAACTTCTAGCAATAAAACTAGTAGTGCAGATACCCAAAAAGTGGCCATT[AT>A]TGAACTTACAGATGGGTGGTATGCTGTTAAGGCCCAGTTAGATCCTCCCCTCTTAGCTGT-3'